The following is an entry in ClinVar:

NM_012330.4(KAT6B):c.2107T>C (p.Ser703Pro)

Gene: KAT6B (lysine acetyltransferase 6B; plus strand). Cytogenetic location: 10q22.2.
Variant type: single nucleotide variant.
Coding change: c.2107T>C on transcript NM_012330.4 (MANE Select); coding-DNA position 2107, T replaced by C.
Protein change: p.Ser703Pro; replaces serine 703 with proline.
Molecular consequence: missense variant. On other transcripts: intron variant (3).
Genome position (GRCh38, 1-based): chr10:74,977,429, T>C. VCF-style: chr10-74977429-T-C. GRCh37 (hg19) VCF-style: chr10-76737187-T-C.
Other names: c.1558T>C, p.Ser520Pro (NM_001256468.2, NM_001370138.1); c.1231T>C, p.Ser411Pro (NM_001256469.2, NM_001370132.1, NM_001370139.1 and 3 more transcripts); c.2107T>C, p.Ser703Pro (NM_001370136.1, NM_001370137.1); c.1042T>C, p.Ser348Pro (NM_001370143.1, NM_001370144.1); c.846+7654T>C (NM_001370133.1); c.193-1795T>C (NM_001370134.1); c.193-11590T>C (NM_001370135.1); short protein forms S348P, S411P, S520P, S703P.
Identifiers: ClinVar variation 2503291 (VCV002503291.2), dbSNP rs1179731230, ClinGen allele CA377290620.

ClinVar aggregate classification (germline): Uncertain significance (1 of 4 stars; one submission).

Allele frequency attached by ClinVar (database versions not stated): TOPMed below 0.00001; gnomAD 0.00001.
gnomAD v4.1: 1 of 1,613,728 alleles (0.000062%); highest among the groups gnomAD compares: African/African-American, 0.0013%; no homozygotes.

Submission:

GeneDx
Classification: Uncertain significance. Last evaluated: 2025-08-28. Review status: criteria provided, single submitter. Criteria: GeneDx Variant Classification Process June 2021. Collection method: clinical testing. Allele origin: germline.
Comment: In silico analysis supports that this missense variant has a deleterious effect on protein structure/function; Has not been previously published as pathogenic or benign to our knowledge